The following is an entry in ClinVar:

ClinVar aggregate classification (germline): Uncertain significance. Review status: criteria provided, multiple submitters, no conflicts (2 of 4 stars). 2 submissions from 2 submitters: Uncertain significance (2). Last evaluated 2026-06-01.

Conditions:
PLXNA3-related disorder. Also called: PLXNA3-related condition.

gnomAD v4.1: 17 of 1,120,607 alleles (0.0015%); highest among the groups gnomAD compares: East Asian, 0.0091%; no homozygotes.

Submissions (2):

PreventionGenetics, part of Exact Sciences
Classification: Uncertain significance for PLXNA3-related condition. Last evaluated: 2026-06-01. Review status: criteria provided, single submitter. Criteria: ACMG Guidelines, 2015. Collection method: clinical testing. Allele origin: germline.
Comment: The PLXNA3 c.577G>A variant is predicted to result in the amino acid substitution p.Ala193Thr. To our knowledge, this variant has not been reported in the literature. This variant is reported in 0.018% of alleles in individuals of East Asian descent in gnomAD. At this time, the clinical significance of this variant is uncertain due to the absence of conclusive functional and genetic evidence.

Ambry Genetics
Classification: Uncertain significance. Last evaluated: 2025-11-12. Review status: criteria provided, single submitter. Criteria: Ambry Variant Classification Scheme 2023. Collection method: clinical testing. Allele origin: germline.

NM_017514.5(PLXNA3):c.577G>A (p.Ala193Thr)

Gene: PLXNA3 (plexin A3; plus strand). Cytogenetic location: Xq28.
Variant type: single nucleotide variant.
Coding change: c.577G>A on transcript NM_017514.5 (MANE Select); coding-DNA position 577, G replaced by A.
Protein change: p.Ala193Thr; replaces alanine 193 with threonine.
Molecular consequence: missense variant.
Genome position (GRCh38, 1-based): chrX:154,460,760, G>A. VCF-style: chrX-154460760-G-A. GRCh37 (hg19) VCF-style: chrX-153689100-G-A.
Other names: short protein forms A193T.
Identifiers: ClinVar variation 4569761 (VCV004569761.2).